The following is an entry in ClinVar:

ClinVar aggregate classification (germline): Conflicting classifications of pathogenicity. Review status: criteria provided, conflicting classifications (1 of 4 stars). 2 submissions from 2 submitters: Uncertain significance (1); Likely benign (1). Last evaluated 2024-10-28.

Conditions:
Inborn genetic diseases. Identifiers: MedGen C0950123, MeSH D030342.
Deafness-lymphedema-leukemia syndrome. Also called: Lymphedema, primary, with myelodysplasia; Emberger syndrome. Identifiers: Orphanet 3226, MedGen C3279664, MONDO:0013540, OMIM 614038.
Monocytopenia with susceptibility to infections. Also called: Dendritic cell, monocyte, B lymphocyte, and natural killer lymphocyte deficiency; MONOCYTOPENIA AND MYCOBACTERIAL INFECTION SYNDROME; MONOCYTOPENIA WITH SUSCEPTIBILITY TO MYCOBACTERIAL, FUNGAL, AND PAPILLOMAVIRUS INFECTIONS AND MYELODYSPLASIA; COMBINED IMMUNODEFICIENCY WITH SUSCEPTIBILITY TO MYCOBACTERIAL, VIRAL, AND FUNGAL INFECTIONS; IMMUNODEFICIENCY 21; GATA2 DEFICIENCY. Identifiers: Orphanet 228423, MedGen C3280030, MONDO:0013607, OMIM 614172.

Allele frequency attached by ClinVar (database versions not stated): gnomAD exomes 0.00001 and 0.00002; gnomAD 0.00003; TOPMed 0.00003.
gnomAD v4.1: 11 of 1,560,684 alleles (0.0007%); highest among the groups gnomAD compares: Admixed American, 0.016%; no homozygotes.

Submissions (2):

Ambry Genetics
Classification: Likely benign for Inborn genetic diseases. Last evaluated: 2024-10-28. Review status: criteria provided, single submitter. Criteria: Ambry Variant Classification Scheme 2023. Collection method: clinical testing. Allele origin: germline.

Labcorp Genetics (formerly Invitae), Labcorp
Classification: Uncertain significance for Monocytopenia with susceptibility to infections; Deafness-lymphedema-leukemia syndrome. Last evaluated: 2022-07-11. Review status: criteria provided, single submitter. Criteria: Invitae Variant Classification Sherloc (09022015). Collection method: clinical testing. Allele origin: germline.
Comment: In summary, the available evidence is currently insufficient to determine the role of this variant in disease. Therefore, it has been classified as a Variant of Uncertain Significance. Advanced modeling of protein sequence and biophysical properties (such as structural, functional, and spatial information, amino acid conservation, physicochemical variation, residue mobility, and thermodynamic stability) performed at Invitae indicates that this missense variant is not expected to disrupt GATA2 protein function. ClinVar contains an entry for this variant (Variation ID: 855228). This variant has not been reported in the literature in individuals affected with GATA2-related conditions. This variant is present in population databases (no rsID available, gnomAD 0.01%). This sequence change replaces proline, which is neutral and non-polar, with leucine, which is neutral and non-polar, at codon 128 of the GATA2 protein (p.Pro128Leu).

NM_032638.5(GATA2):c.383C>T (p.Pro128Leu)

Gene: GATA2 (GATA binding protein 2; minus strand). Cytogenetic location: 3q21.3.
Variant type: single nucleotide variant.
Coding change: c.383C>T on transcript NM_032638.5 (MANE Select); coding-DNA position 383, C replaced by T.
Protein change: p.Pro128Leu; replaces proline 128 with leucine.
Molecular consequence: missense variant.
Genome position (GRCh38, 1-based): chr3:128,486,215, G>A on the plus strand (C>T on the coding strand, the complement: GATA2 is on the minus strand). VCF-style: chr3-128486215-G-A. GRCh37 (hg19) VCF-style: chr3-128205058-G-A.
Other names: c.383C>T, p.Pro128Leu (NM_001145661.2, NM_001145662.1); short protein forms P128L.
Identifiers: ClinVar variation 855228 (VCV000855228.10), dbSNP rs1405092589, ClinGen allele CA354407000.